The following is an entry in ClinVar:

ClinVar aggregate classification (germline): Pathogenic. Review status: criteria provided, multiple submitters, no conflicts (2 of 4 stars). 2 submissions from 2 submitters: Pathogenic (2). Last evaluated 2024-09-24.

Conditions:
Hereditary cancer-predisposing syndrome. Also called: Tumor predisposition; Hereditary Cancer Syndrome; Hereditary neoplastic syndrome; Neoplastic Syndromes, Hereditary. Identifiers: Orphanet 140162, MedGen C0027672, MeSH D009386, MONDO:0015356.
Familial cancer of breast. Also called: BREAST CANCER, FAMILIAL; Hereditary breast cancer; hereditary breast carcinoma. Identifiers: Orphanet 227535, MedGen C0346153, MONDO:0016419, OMIM 114480. Disease mechanism: loss of function.

Submissions (2):

Labcorp Genetics (formerly Invitae), Labcorp
Classification: Pathogenic for Familial cancer of breast. Last evaluated: 2024-09-24. Review status: criteria provided, single submitter. Criteria: Invitae Variant Classification Sherloc (09022015). Collection method: clinical testing. Allele origin: germline.
Comment: This sequence change creates a premature translational stop signal (p.Ala453Glnfs*16) in the CHEK2 gene. It is expected to result in an absent or disrupted protein product. Loss-of-function variants in CHEK2 are known to be pathogenic (PMID: 21876083, 24713400). This variant is not present in population databases (gnomAD no frequency). This variant has not been reported in the literature in individuals affected with CHEK2-related conditions. ClinVar contains an entry for this variant (Variation ID: 2601282). For these reasons, this variant has been classified as Pathogenic.

Ambry Genetics
Classification: Pathogenic for Hereditary cancer-predisposing syndrome. Last evaluated: 2023-06-30. Review status: criteria provided, single submitter. Criteria: Ambry Variant Classification Scheme 2023. Collection method: clinical testing. Allele origin: germline.
Comment: The c.1357delG pathogenic mutation, located in coding exon 11 of the CHEK2 gene, results from a deletion of one nucleotide at nucleotide position 1357, causing a translational frameshift with a predicted alternate stop codon (p.A453Qfs*16). This variant is considered to be rare based on population cohorts in the Genome Aggregation Database (gnomAD). This alteration is expected to result in loss of function by premature protein truncation or nonsense-mediated mRNA decay. As such, this alteration is interpreted as a disease-causing mutation.

Literature cited by the submitters: PubMed 21876083 (cited by Labcorp Genetics (formerly Invitae), Labcorp); PubMed 24713400 (cited by Labcorp Genetics (formerly Invitae), Labcorp).

NM_007194.4(CHEK2):c.1357del (p.Ala453fs)

Gene: CHEK2 (checkpoint kinase 2; minus strand). Cytogenetic location: 22q12.1.
Variant type: Deletion.
Coding change: c.1357del on transcript NM_007194.4 (MANE Select); coding-DNA position 1357, one base deleted (G; older notation c.1357delG).
Protein change: p.Ala453fs; shifts the reading frame from alanine 453.
Molecular consequence: frameshift variant.
Genome position (GRCh38, 1-based): chr22:28,695,145, C deleted on the plus strand (G on the coding strand, the reverse complement: CHEK2 is on the minus strand); the first of 3 consecutive C bases (chr22:28,695,145-28,695,147); deleting any one gives the same sequence. VCF-style (leftmost placement, unchanged base first): chr22-28695144-GC-G. GRCh37 (hg19) VCF-style: chr22-29091132-GC-G.
Other names: c.1484delG, p.Ala496Glnfs (NM_001005735.3); c.692delG, p.Ala232Glnfs (NM_001257387.3); c.1154delG, p.Ala386Glnfs (NM_001349956.3); c.1268delG, p.Ala424Glnfs (NM_145862.3); short protein forms A496fs, A453fs, A232fs, A386fs, A424fs.
Identifiers: ClinVar variation 2601282 (VCV002601282.4), dbSNP rs2517795343, ClinGen allele CA2582342760.